The following is an entry in ClinVar:

NM_130837.3(OPA1):c.1621A>T (p.Ile541Phe)

Gene: OPA1 (OPA1 mitochondrial dynamin like GTPase; plus strand). Cytogenetic location: 3q29.
Variant type: single nucleotide variant.
Coding change: c.1621A>T on transcript NM_130837.3 (MANE Select); coding-DNA position 1621, A replaced by T.
Protein change: p.Ile541Phe; replaces isoleucine 541 with phenylalanine.
Molecular consequence: missense variant.
Genome position (GRCh38, 1-based): chr3:193,645,565, A>T. VCF-style: chr3-193645565-A-T. GRCh37 (hg19) VCF-style: chr3-193363354-A-T.
Other names: p.Ile486Phe; c.1087A>T, p.Ile363Phe (NM_001354663.2); c.1084A>T, p.Ile362Phe (NM_001354664.2); c.1456A>T, p.Ile486Phe (NM_015560.3); c.1348A>T, p.Ile450Phe (NM_130831.3); c.1402A>T, p.Ile468Phe (NM_130832.3); c.1459A>T, p.Ile487Phe (NM_130833.3); c.1510A>T, p.Ile504Phe (NM_130834.3); and 2 more; short protein forms I504F, I505F, I450F, I363F, I468F, I486F, I487F, I523F.
Identifiers: ClinVar variation 2909690 (VCV002909690.6), dbSNP rs373593484, ClinGen allele CA2759436.

ClinVar aggregate classification (germline): Uncertain significance. Review status: criteria provided, multiple submitters, no conflicts (2 of 4 stars). 4 submissions from 4 submitters: Uncertain significance (4). Last evaluated 2025-12-23.

Conditions:
Inborn genetic diseases. Identifiers: MedGen C0950123, MeSH D030342.

Allele frequency attached by ClinVar (database versions not stated): ExAC 0.00001; gnomAD 0.00001; TOPMed 0.00001.
gnomAD v4.1: 30 of 1,612,472 alleles (0.0019%); highest among the groups gnomAD compares: Non-Finnish European, 0.0025%; no homozygotes.

Submissions (4):

Labcorp Genetics (formerly Invitae), Labcorp
Classification: Uncertain significance. Last evaluated: 2025-12-23. Review status: criteria provided, single submitter. Criteria: Invitae Variant Classification Sherloc (09022015). Collection method: clinical testing. Allele origin: germline.
Comment: This sequence change replaces isoleucine, which is neutral and non-polar, with phenylalanine, which is neutral and non-polar, at codon 486 of the OPA1 protein (p.Ile486Phe). This variant is present in population databases (rs373593484, gnomAD 0.003%). This variant has not been reported in the literature in individuals affected with OPA1-related conditions. ClinVar contains an entry for this variant (Variation ID: 2909690). Invitae Evidence Modeling of protein sequence and biophysical properties (such as structural, functional, and spatial information, amino acid conservation, physicochemical variation, residue mobility, and thermodynamic stability) indicates that this missense variant is not expected to disrupt OPA1 protein function with a negative predictive value of 80%. In summary, the available evidence is currently insufficient to determine the role of this variant in disease. Therefore, it has been classified as a Variant of Uncertain Significance.

Mayo Clinic Laboratories, Mayo Clinic
Classification: Uncertain significance. Last evaluated: 2025-06-13. Review status: criteria provided, single submitter. Criteria: ACMG Guidelines, 2015. Collection method: clinical testing. Allele origin: germline. Observed: 1 variant allele.

Ambry Genetics
Classification: Uncertain significance for Inborn genetic diseases. Last evaluated: 2025-01-21. Review status: criteria provided, single submitter. Criteria: Ambry Variant Classification Scheme 2023. Collection method: clinical testing. Allele origin: germline.

Blueprint Genetics
Classification: Uncertain significance. Last evaluated: 2021-04-23. Review status: criteria provided, single submitter. Criteria: ACMG Guidelines, 2015. Collection method: clinical testing. Allele origin: germline.